The following is an entry in ClinVar:

ClinVar aggregate classification (germline): Uncertain significance (1 of 4 stars; one submission).

Conditions:
Joubert syndrome. Also called: JOUBERT-BOLTSHAUSER SYNDROME; Familial aplasia of the vermis. Identifiers: Orphanet 475, MedGen C5979921, MONDO:0018772.
Meckel-Gruber syndrome. Also called: DYSENCEPHALIA SPLANCHNOCYSTICA; GRUBER SYNDROME; Dysencephalia splachnocystica. Identifiers: Orphanet 564, MedGen C0265215, MONDO:0018921.

Submission:

Labcorp Genetics (formerly Invitae), Labcorp
Classification: Uncertain significance for Joubert syndrome; Meckel-Gruber syndrome. Last evaluated: 2023-05-24. Review status: criteria provided, single submitter. Criteria: Invitae Variant Classification Sherloc (09022015). Collection method: clinical testing. Allele origin: germline.
Comment: This sequence change replaces histidine, which is basic and polar, with aspartic acid, which is acidic and polar, at codon 1077 of the CC2D2A protein (p.His1077Asp). This variant is not present in population databases (gnomAD no frequency). This variant has not been reported in the literature in individuals affected with CC2D2A-related conditions. ClinVar contains an entry for this variant (Variation ID: 1480545). Advanced modeling of protein sequence and biophysical properties (such as structural, functional, and spatial information, amino acid conservation, physicochemical variation, residue mobility, and thermodynamic stability) performed at Invitae indicates that this missense variant is not expected to disrupt CC2D2A protein function. In summary, the available evidence is currently insufficient to determine the role of this variant in disease. Therefore, it has been classified as a Variant of Uncertain Significance.

NM_001378615.1(CC2D2A):c.3229C>G (p.His1077Asp)

Genes: FBXL5 (F-box and leucine rich repeat protein 5; minus strand), CC2D2A (coiled-coil and C2 domain containing 2A; plus strand). Cytogenetic location: 4p15.32.
Variant type: single nucleotide variant.
Coding change: c.3229C>G on transcript NM_001378615.1 (MANE Select); coding-DNA position 3229, C replaced by G.
Protein change: p.His1077Asp; replaces histidine 1077 with aspartic acid.
Molecular consequence: missense variant.
Genome position (GRCh38, 1-based): chr4:15,567,423, C>G. VCF-style: chr4-15567423-C-G. GRCh37 (hg19) VCF-style: chr4-15569046-C-G.
Other names: c.3229C>G, p.His1077Asp (NM_001080522.2); c.3082C>G, p.His1028Asp (NM_001378617.1); short protein forms H1077D, H1028D.
Identifiers: ClinVar variation 1480545 (VCV001480545.6), dbSNP rs2109070180, ClinGen allele CA356417659.